The following is an entry in ClinVar:

NM_001739.2(CA5A):c.618+1769A>G

Gene: CA5A (carbonic anhydrase 5A; minus strand). Cytogenetic location: 16q24.2.
Variant type: single nucleotide variant.
Coding change: c.618+1769A>G on transcript NM_001739.2 (MANE Select); 1769 bases into the intron after coding-DNA position 618, A replaced by G.
Molecular consequence: intron variant.
Genome position (GRCh38, 1-based): chr16:87,900,143, T>C on the plus strand (A>G on the coding strand, the complement: CA5A is on the minus strand). VCF-style: chr16-87900143-T-C. GRCh37 (hg19) VCF-style: chr16-87933749-T-C.
Other names: c.618+1769A>G (NM_001367225.1).
Identifiers: ClinVar variation 1694804 (VCV001694804.31), dbSNP rs188157402, ClinGen allele CA286243777.

ClinVar aggregate classification (germline): Benign (1 of 4 stars; one submission).

Allele frequency attached by ClinVar (database versions not stated): 1000 Genomes Project 30x 0.00500; 1000 Genomes Project 0.00519; gnomAD 0.00761 and 0.00774; TOPMed 0.00779.
gnomAD v4.1: 1,177 of 152,092 alleles (0.77%); highest among the groups gnomAD compares: Admixed American, 1.4%; 11 homozygotes.

Submission:

CeGaT Center for Human Genetics Tuebingen
Classification: Benign. Last evaluated: 2022-12-01. Review status: criteria provided, single submitter. Criteria: CeGaT Center For Human Genetics Tuebingen Variant Classification Criteria Version 2. Collection method: clinical testing. Allele origin: germline. Affected: yes. Observed: 2 variant alleles.
Comment: CA5A: BS1, BS2